The following is an entry in ClinVar:

ClinVar aggregate classification (germline): Uncertain significance (1 of 4 stars; one submission).

Allele frequency attached by ClinVar (database versions not stated): gnomAD exomes below 0.00001.
gnomAD v4.1: 3 of 1,614,106 alleles (0.00019%); highest among the groups gnomAD compares: African/African-American, 0.0013%; no homozygotes.

Submission:

Labcorp Genetics (formerly Invitae), Labcorp
Classification: Uncertain significance. Last evaluated: 2021-12-23. Review status: criteria provided, single submitter. Criteria: Invitae Variant Classification Sherloc (09022015). Collection method: clinical testing. Allele origin: germline.
Comment: This sequence change replaces alanine, which is neutral and non-polar, with valine, which is neutral and non-polar, at codon 639 of the MERTK protein (p.Ala639Val). This variant is not present in population databases (gnomAD no frequency). This variant has not been reported in the literature in individuals affected with MERTK-related conditions. Algorithms developed to predict the effect of missense changes on protein structure and function are either unavailable or do not agree on the potential impact of this missense change (SIFT: "Deleterious"; PolyPhen-2: "Probably Damaging"; Align-GVGD: "Class C0"). In summary, the available evidence is currently insufficient to determine the role of this variant in disease. Therefore, it has been classified as a Variant of Uncertain Significance.

NM_006343.3(MERTK):c.1916C>T (p.Ala639Val)

Gene: MERTK (MER proto-oncogene, tyrosine kinase; plus strand). Cytogenetic location: 2q13.
Variant type: single nucleotide variant.
Coding change: c.1916C>T on transcript NM_006343.3 (MANE Select); coding-DNA position 1916, C replaced by T.
Protein change: p.Ala639Val; replaces alanine 639 with valine.
Molecular consequence: missense variant.
Genome position (GRCh38, 1-based): chr2:112,008,431, C>T. VCF-style: chr2-112008431-C-T. GRCh37 (hg19) VCF-style: chr2-112766008-C-T.
Other names: short protein forms A639V.
Identifiers: ClinVar variation 1916892 (VCV001916892.5), dbSNP rs1677029751, ClinGen allele CA348233255.